The following is an entry in ClinVar:

ClinVar aggregate classification (germline): Uncertain significance (1 of 4 stars; one submission).

Conditions:
Hereditary breast ovarian cancer syndrome. Also called: Hereditary breast and ovarian cancer syndrome; Hereditary breast and/or ovarian cancer syndrome; Hereditary breast and ovarian cancer syndrome (HBOC); Breast and ovarian cancer; BRCA1- and BRCA2-Associated Hereditary Breast and Ovarian Cancer; Hereditary breast and ovarian cancer. Identifiers: Orphanet 145, MedGen C0677776, MeSH D061325, MONDO:0003582. Disease mechanism: loss of function.

Submission:

Labcorp Genetics (formerly Invitae), Labcorp
Classification: Uncertain significance for Hereditary breast ovarian cancer syndrome. Last evaluated: 2022-06-04. Review status: criteria provided, single submitter. Criteria: Invitae Variant Classification Sherloc (09022015). Collection method: clinical testing. Allele origin: germline.
Comment: This variant results in a copy number gain of the genomic region encompassing exon(s) 22-23 of the BRCA1 gene. This region includes the termination codon of the gene. This copy number gain extends beyond the assayed region for this gene and therefore may encompass additional genes. As the precise location of this event is unknown, it may be in tandem or it may be located elsewhere in the genome. This variant has not been reported in the literature in individuals affected with BRCA1-related conditions. In summary, the available evidence is currently insufficient to determine the role of this variant in disease. Therefore, it has been classified as a Variant of Uncertain Significance.

NC_000017.10:g.(?_41197675)_(41199740_?)dup

Gene: BRCA1 (BRCA1 DNA repair associated; minus strand). Cytogenetic location: 17q21.31.
Variant type: Duplication.
Identifiers: ClinVar variation 583571 (VCV000583571.3).